The following is an entry in ClinVar:

NM_000203.5(IDUA):c.1175T>A (p.Leu392Gln)

Gene: IDUA (alpha-L-iduronidase; plus strand). Cytogenetic location: 4p16.3.
Variant type: single nucleotide variant.
Coding change: c.1175T>A on transcript NM_000203.5 (MANE Select); coding-DNA position 1175, T replaced by A.
Protein change: p.Leu392Gln; replaces leucine 392 with glutamine.
Molecular consequence: missense variant. On other transcripts: non-coding transcript variant (1).
Genome position (GRCh38, 1-based): chr4:1,002,471, T>A. VCF-style: chr4-1002471-T-A. GRCh37 (hg19) VCF-style: chr4-996259-T-A.
Other names: c.779T>A, p.Leu260Gln (NM_001363576.1); short protein forms L260Q, L392Q.
Identifiers: ClinVar variation 3108063 (VCV003108063.2), dbSNP rs983573900, ClinGen allele CA91169415.

ClinVar aggregate classification (germline): Uncertain significance (1 of 4 stars; one submission).

Conditions:
Inborn genetic diseases. Identifiers: MedGen C0950123, MeSH D030342.

Allele frequency attached by ClinVar (database versions not stated): gnomAD 0.00001; TOPMed 0.00001; gnomAD exomes 0.00002.
gnomAD v4.1: 10 of 1,542,308 alleles (0.00065%); highest among the groups gnomAD compares: Non-Finnish European, 0.00087%; no homozygotes.

Submission:

Ambry Genetics
Classification: Uncertain significance for Inborn genetic diseases. Last evaluated: 2025-05-15. Review status: criteria provided, single submitter. Criteria: Ambry Variant Classification Scheme 2023. Collection method: clinical testing. Allele origin: germline.
Comment: The p.L392Q variant (also known as c.1175T>A), located in coding exon 8 of the IDUA gene, results from a T to A substitution at nucleotide position 1175. The leucine at codon 392 is replaced by glutamine, an amino acid with dissimilar properties. This amino acid position is conserved. In addition, this alteration is predicted to be deleterious by in silico analysis. Based on the available evidence, the clinical significance of this variant remains unclear.